The following is an entry in ClinVar:

NM_006415.4(SPTLC1):c.47C>G (p.Ala16Gly)

Gene: SPTLC1 (serine palmitoyltransferase long chain base subunit 1; minus strand). Cytogenetic location: 9q22.31.
Variant type: single nucleotide variant.
Coding change: c.47C>G on transcript NM_006415.4 (MANE Select); coding-DNA position 47, C replaced by G.
Protein change: p.Ala16Gly; replaces alanine 16 with glycine.
Molecular consequence: missense variant. On other transcripts: 5 prime UTR variant (2).
Genome position (GRCh38, 1-based): chr9:92,115,324, G>C on the plus strand (C>G on the coding strand, the complement: SPTLC1 is on the minus strand). VCF-style: chr9-92115324-G-C. GRCh37 (hg19) VCF-style: chr9-94877606-G-C.
Other names: c.47C>G, p.Ala16Gly (NM_001281303.2, NM_178324.3); c.-453C>G (NM_001368272.1); c.-564C>G (NM_001368273.1); short protein forms A16G.
Identifiers: ClinVar variation 2889945 (VCV002889945.3), dbSNP rs773683310, ClinGen allele CA5121710.

ClinVar aggregate classification (germline): Uncertain significance (1 of 4 stars; one submission).

Conditions:
Hereditary sensory and autonomic neuropathy type 1 (HSAN1). Also called: HSAN 1; HSN Type I; Hereditary Sensory Neuropathy Type I. Identifiers: Orphanet 36386, MedGen C0020071, MONDO:0018213.

Allele frequency attached by ClinVar (database versions not stated): gnomAD exomes below 0.00001; ExAC 0.00001; gnomAD 0.00002.

Submission:

Labcorp Genetics (formerly Invitae), Labcorp
Classification: Uncertain significance for Hereditary sensory and autonomic neuropathy type 1. Last evaluated: 2023-11-08. Review status: criteria provided, single submitter. Criteria: Invitae Variant Classification Sherloc (09022015). Collection method: clinical testing. Allele origin: germline.
Comment: This sequence change replaces alanine, which is neutral and non-polar, with glycine, which is neutral and non-polar, at codon 16 of the SPTLC1 protein (p.Ala16Gly). This variant is present in population databases (rs773683310, gnomAD 0.0009%). This variant has not been reported in the literature in individuals affected with SPTLC1-related conditions. Advanced modeling of protein sequence and biophysical properties (such as structural, functional, and spatial information, amino acid conservation, physicochemical variation, residue mobility, and thermodynamic stability) has been performed at Invitae for this missense variant, however the output from this modeling did not meet the statistical confidence thresholds required to predict the impact of this variant on SPTLC1 protein function. Algorithms developed to predict the effect of sequence changes on RNA splicing suggest that this variant may disrupt the consensus splice site. In summary, the available evidence is currently insufficient to determine the role of this variant in disease. Therefore, it has been classified as a Variant of Uncertain Significance.